The following is an entry in ClinVar:

NM_000153.4(GALC):c.742G>A (p.Asp248Asn)

Gene: GALC (galactosylceramidase; minus strand). Cytogenetic location: 14q31.3.
Variant type: single nucleotide variant.
Coding change: c.742G>A on transcript NM_000153.4 (MANE Select); coding-DNA position 742, G replaced by A.
Protein change: p.Asp248Asn; replaces aspartic acid 248 with asparagine.
Molecular consequence: missense variant.
Genome position (GRCh38, 1-based): chr14:87,976,368, C>T on the plus strand (G>A on the coding strand, the complement: GALC is on the minus strand). VCF-style: chr14-87976368-C-T. GRCh37 (hg19) VCF-style: chr14-88442712-C-T.
Other names: c.673G>A, p.Asp225Asn (NM_001201401.2); c.664G>A, p.Asp222Asn (NM_001201402.2); short protein forms D248N, D222N, D225N.
Identifiers: ClinVar variation 92509 (VCV000092509.25), dbSNP rs34362748, ClinGen allele CA145821.

ClinVar aggregate classification (germline): Benign; other. Review status: criteria provided, multiple submitters, no conflicts (2 of 4 stars). 12 submissions from 12 submitters: Benign (6). 5 of the submissions do not count toward it. Last evaluated 2024-11-27.

Conditions:
GALC-related disorder. Also called: GALC-related condition.
Galactosylceramide beta-galactosidase deficiency. Also called: GLOBOID CELL LEUKOENCEPHALOPATHY; Leukodystrophy, Globoid Cell; Krabbe Disease; GALACTOCEREBROSIDASE DEFICIENCY; GALC DEFICIENCY. Identifiers: Orphanet 487, MedGen C0023521, MONDO:0009499, OMIM 245200.

Allele frequency attached by ClinVar (database versions not stated): gnomAD exomes 0.14511 and 0.12630; TOPMed 0.10655; gnomAD 0.11297 and 0.11424; 1000 Genomes Project 0.07947; ESP Exome Variant Server 0.11787; ExAC 0.12437; 1000 Genomes Project 30x 0.08182.
gnomAD v4.1: 228,490 of 1,613,138 alleles (14%); highest among the groups gnomAD compares: Middle Eastern, 16%; 17,561 homozygotes.

Submissions (12):

Blueprint Genetics
Classification: Benign. Last evaluated: 2024-11-27. Review status: criteria provided, single submitter. Criteria: ACMG Guidelines, 2015. Collection method: clinical testing. Allele origin: germline.

Genome-Nilou Lab
Classification: Benign for Galactosylceramide beta-galactosidase deficiency. Last evaluated: 2021-07-01. Review status: criteria provided, single submitter. Criteria: ACMG Guidelines, 2015. Collection method: clinical testing. Allele origin: germline. Affected: no.

GeneDx
Classification: Benign. Last evaluated: 2019-10-29. Review status: criteria provided, single submitter. Criteria: GeneDx Variant Classification Process June 2021. Collection method: clinical testing. Allele origin: germline. Affected: yes.

Labcorp Genetics (formerly Invitae), Labcorp
Classification: other for Galactosylceramide beta-galactosidase deficiency. Last evaluated: 2019-01-06. Review status: criteria provided, single submitter. Criteria: Invitae Variant Classification Sherloc (09022015). Collection method: clinical testing. Allele origin: germline.

Illumina Laboratory Services, Illumina
Classification: Benign for Galactosylceramide beta-galactosidase deficiency. Last evaluated: 2018-01-13. Review status: criteria provided, single submitter. Criteria: ICSL Variant Classification Criteria 13 December 2019. Collection method: clinical testing. Allele origin: germline.
Comment: This variant was observed in the ICSL laboratory as part of a predisposition screen in an ostensibly healthy population. It had not been previously curated by ICSL or reported in the Human Gene Mutation Database (HGMD: prior to June 1st, 2018), and was therefore a candidate for classification through an automated scoring system. Utilizing variant allele frequency, disease prevalence and penetrance estimates, and inheritance mode, an automated score was calculated to assess if this variant is too frequent to cause the disease. Based on the score and internal cut-off values, a variant classified as benign is not then subjected to further curation. The score for this variant resulted in a classification of benign for this disease.

Eurofins Ntd Llc (ga)
Classification: Benign. Last evaluated: 2017-08-31. Review status: criteria provided, single submitter. Criteria: EGL Classification Definitions 2015. Collection method: clinical testing. Allele origin: germline. Observed: 34 variant alleles, 31 heterozygotes, 3 homozygotes.

Breakthrough Genomics
Classification: Benign. Review status: criteria provided, single submitter. Criteria: ACMG Guidelines, 2015. Collection method: not provided. Allele origin: germline. Inheritance: Autosomal recessive inheritance. Affected: yes.

PreventionGenetics, part of Exact Sciences
Classification: Benign for GALC-related condition. Last evaluated: 2020-11-16. Review status: no assertion criteria provided. Collection method: clinical testing. Allele origin: germline. Not counted in ClinVar's aggregate classification.
Comment: This variant is classified as benign based on ACMG/AMP sequence variant interpretation guidelines (Richards et al. 2015 PMID: 25741868, with internal and published modifications).

Mayo Clinic Laboratories, Mayo Clinic
Classification: Uncertain significance. Last evaluated: 2015-10-26. Review status: no assertion criteria provided. Collection method: clinical testing. Allele origin: unknown. Not counted in ClinVar's aggregate classification.

Clinical Genetics DNA and cytogenetics Diagnostics Lab, Erasmus MC, Erasmus Medical Center
Classification: Benign. Review status: no assertion criteria provided. Collection method: clinical testing. Allele origin: germline. Affected: yes. Study: VKGL Data-share Consensus. Not counted in ClinVar's aggregate classification.

Clinical Genetics, Academic Medical Center
Classification: Benign. Review status: no assertion criteria provided. Collection method: clinical testing. Allele origin: germline. Affected: yes. Study: VKGL Data-share Consensus. Not counted in ClinVar's aggregate classification.

GeneReviews
No classification provided. Condition: Galactosylceramide beta-galactosidase deficiency. Review status: no classification provided. Collection method: literature only. Allele origin: germline. Not counted in ClinVar's aggregate classification.